The following is an entry in ClinVar:

NM_018192.4(P3H2):c.253G>A (p.Ala85Thr)

Gene: P3H2 (prolyl 3-hydroxylase 2; minus strand). Cytogenetic location: 3q28.
Variant type: single nucleotide variant.
Coding change: c.253G>A on transcript NM_018192.4 (MANE Select); coding-DNA position 253, G replaced by A.
Protein change: p.Ala85Thr; replaces alanine 85 with threonine.
Molecular consequence: missense variant. On other transcripts: intron variant (1).
Genome position (GRCh38, 1-based): chr3:190,120,479, C>T on the plus strand (G>A on the coding strand, the complement: P3H2 is on the minus strand). VCF-style: chr3-190120479-C-T. GRCh37 (hg19) VCF-style: chr3-189838268-C-T.
Other names: c.-64+1724G>A (NM_001134418.2); c.253G>A (NM_018192.3); short protein forms A85T.
Identifiers: ClinVar variation 1366259 (VCV001366259.8), dbSNP rs914760113, ClinGen allele CA355859860.

ClinVar aggregate classification (germline): Uncertain significance. Review status: criteria provided, multiple submitters, no conflicts (2 of 4 stars). 2 submissions from 2 submitters: Uncertain significance (2). Last evaluated 2025-08-25.

Conditions:
Inborn genetic diseases. Identifiers: MedGen C0950123, MeSH D030342.

gnomAD v4.1: 11 of 1,440,250 alleles (0.00076%); highest among the groups gnomAD compares: African/African-American, 0.012%; no homozygotes.

Submissions (2):

Ambry Genetics
Classification: Uncertain significance for Inborn genetic diseases. Last evaluated: 2025-08-25. Review status: criteria provided, single submitter. Criteria: Ambry Variant Classification Scheme 2023. Collection method: clinical testing. Allele origin: germline.

Labcorp Genetics (formerly Invitae), Labcorp
Classification: Uncertain significance. Last evaluated: 2022-08-16. Review status: criteria provided, single submitter. Criteria: Invitae Variant Classification Sherloc (09022015). Collection method: clinical testing. Allele origin: germline.
Comment: This variant is not present in population databases (gnomAD no frequency). In summary, the available evidence is currently insufficient to determine the role of this variant in disease. Therefore, it has been classified as a Variant of Uncertain Significance. Algorithms developed to predict the effect of missense changes on protein structure and function output the following: SIFT: "Tolerated"; PolyPhen-2: "Benign"; Align-GVGD: "Class C0". The threonine amino acid residue is found in multiple mammalian species, which suggests that this missense change does not adversely affect protein function. ClinVar contains an entry for this variant (Variation ID: 1366259). This variant has not been reported in the literature in individuals affected with P3H2-related conditions. This sequence change replaces alanine, which is neutral and non-polar, with threonine, which is neutral and polar, at codon 85 of the P3H2 protein (p.Ala85Thr).